The following is an entry in ClinVar:

ClinVar aggregate classification (germline): Likely pathogenic (1 of 4 stars; one submission).

Conditions:
Tuberous sclerosis 2 (TSC2). Identifiers: Orphanet 805, MedGen C1860707, MONDO:0013199, OMIM 613254.

Submission:

3billion
Classification: Likely pathogenic for Tuberous sclerosis 2. Last evaluated: 2025-12-01. Review status: criteria provided, single submitter. Criteria: ACMG Guidelines, 2015. Collection method: clinical testing. Allele origin: germline. Affected: yes.
Comment: The variant is not observed in the gnomAD v4.1.0 dataset. Predicted Consequence/Location: Frameshift: predicted to result in a loss or disruption of normal protein function through nonsense-mediated decay (NMD) or protein truncation. Multiple pathogenic variants are reported downstream of the variant. Therefore, this variant is classified as Likely pathogenic according to the recommendation of ACMG/AMP guideline.

NM_000548.5(TSC2):c.1317del (p.Asp439fs)

Gene: TSC2 (TSC complex subunit 2; plus strand). Cytogenetic location: 16p13.3.
Variant type: Deletion.
Coding change: c.1317del on transcript NM_000548.5 (MANE Select); coding-DNA position 1317, one base deleted (C; older notation c.1317delC).
Protein change: p.Asp439fs; shifts the reading frame from aspartic acid 439.
Molecular consequence: frameshift variant. On other transcripts: 5 prime UTR variant (10), non-coding transcript variant (5).
Genome position (GRCh38, 1-based): chr16:2,062,556, C deleted. VCF-style (leftmost placement, unchanged base first): chr16-2062555-AC-A. GRCh37 (hg19) VCF-style: chr16-2112556-AC-A.
Other names: c.1317del, p.Asp439fs (NM_001370405.1, NM_001406663.1, NM_001406664.1 and 6 more transcripts); c.1407del, p.Asp469fs (NM_001406667.1, NM_001406668.1); c.1206del, p.Asp402fs (NM_001406670.1, NM_001406678.1, NM_001318827.2); c.1305del, p.Asp435fs (NM_001406671.1, NM_001406673.1); c.1170del, p.Asp390fs (NM_001406675.1, NM_001406676.1, NM_001406679.1 and 1 more transcripts); c.1260del, p.Asp420fs (NM_001406677.1); c.717del, p.Asp239fs (NM_001406680.1, NM_001406682.1, NM_001406683.1 and 6 more transcripts); c.855del, p.Asp285fs (NM_001406681.1); and 3 more; short protein forms D239fs, D285fs, D390fs, D402fs, D420fs, D435fs, D439fs, D450fs.
Identifiers: ClinVar variation 4854444 (VCV004854444.1).
Genomic context (GRCh38, chr16:2,062,555, plus strand): 5'-AGGAGTCCTCCCTCCTGAACCTGATCTCCTATAGAGCGCAGTCCATCCACCCGGCCAAGG[AC>A]GGCTGGATTCAGAACCTGCAGGCGCTGATGGAGAGATTCTTCAGGTAGGGGGTCCTCTGT-3'